The following is an entry in ClinVar:

ClinVar aggregate classification (germline): Likely benign (1 of 4 stars; one submission).

gnomAD v4.1: 1 of 1,430,588 alleles (0.00007%); highest among the groups gnomAD compares: Non-Finnish European, 0.000097%; no homozygotes.

Submission:

CeGaT Center for Human Genetics Tuebingen
Classification: Likely benign. Last evaluated: 2025-06-01. Review status: criteria provided, single submitter. Criteria: CeGaT Center For Human Genetics Tuebingen Variant Classification Criteria Version 2. Collection method: clinical testing. Allele origin: germline. Affected: yes. Observed: 1 variant allele.
Comment: GOLGA4: BP4, BP7

NM_002078.5(GOLGA4):c.6444T>C (p.Tyr2148=)

Gene: GOLGA4 (golgin A4; plus strand). Cytogenetic location: 3p22.2.
Variant type: single nucleotide variant.
Coding change: c.6444T>C on transcript NM_002078.5 (MANE Select); coding-DNA position 6444, T replaced by C.
Protein change: p.Tyr2148=; no amino-acid change (tyrosine 2148 retained).
Molecular consequence: synonymous variant.
Genome position (GRCh38, 1-based): chr3:37,340,171, T>C. VCF-style: chr3-37340171-T-C. GRCh37 (hg19) VCF-style: chr3-37381662-T-C.
Other names: c.6489T>C, p.Tyr2163= (NM_001172713.3); c.6510T>C, p.Tyr2170= (NM_001410721.2, NM_001429191.1); c.6561T>C, p.Tyr2187= (NM_001429190.1); c.6396T>C, p.Tyr2132= (NM_001429193.1); c.6462T>C, p.Tyr2154= (NM_001429196.1, NM_001429198.1); c.6444T>C, p.Tyr2148= (NM_001429201.1); c.6405T>C, p.Tyr2135= (NM_001429202.1).
Identifiers: ClinVar variation 3905961 (VCV003905961.10).